The following is an entry in ClinVar:

NM_022356.4(P3H1):c.1593del (p.Leu532fs)

Gene: P3H1 (prolyl 3-hydroxylase 1; minus strand). Cytogenetic location: 1p34.2.
Variant type: Deletion.
Coding change: c.1593del on transcript NM_022356.4 (MANE Select); coding-DNA position 1593, one base deleted (T; older notation c.1593delT).
Protein change: p.Leu532fs; shifts the reading frame from leucine 532.
Molecular consequence: frameshift variant.
Genome position (GRCh38, 1-based): chr1:42,750,313, A deleted on the plus strand (T on the coding strand, the reverse complement: P3H1 is on the minus strand). VCF-style (leftmost placement, unchanged base first): chr1-42750312-GA-G. GRCh37 (hg19) VCF-style: chr1-43215983-GA-G.
Other names: c.1593del, p.Leu532fs (NM_001146289.2, NM_001243246.2); short protein forms L532fs.
Identifiers: ClinVar variation 2761820 (VCV002761820.3), dbSNP rs2524419851, ClinGen allele CA2697552344.
Genomic context (GRCh38, chr1:42,750,312, plus strand): 5'-AGGACTCCATGATGCGCCGCACCTTCTCCGTCACGTTGTAGTACAGGTGGGCACTCTGCA[GA>G]GGAACTTTGCCTTCTTGCCCCAGCTGCCAAGGAGACAGATGGTCAGCTGCCCTCAACGAC-3'

ClinVar aggregate classification (germline): Pathogenic (1 of 4 stars; one submission).

Conditions:
Osteogenesis imperfecta type 8 (OI8). Identifiers: MedGen C1970458, MONDO:0012581, OMIM 610915.

Submission:

Labcorp Genetics (formerly Invitae), Labcorp
Classification: Pathogenic for Osteogenesis imperfecta type 8. Last evaluated: 2023-09-19. Review status: criteria provided, single submitter. Criteria: Invitae Variant Classification Sherloc (09022015). Collection method: clinical testing. Allele origin: germline.
Comment: This sequence change creates a premature translational stop signal (p.Leu532Cysfs*10) in the P3H1 gene. It is expected to result in an absent or disrupted protein product. Loss-of-function variants in P3H1 are known to be pathogenic (PMID: 17277775, 18566967, 19088120, 22281939). This variant is not present in population databases (gnomAD no frequency). This variant has not been reported in the literature in individuals affected with P3H1-related conditions. For these reasons, this variant has been classified as Pathogenic.

Literature cited by the submitters: PubMed 17277775; PubMed 18566967; PubMed 19088120; PubMed 22281939.